The following is an entry in ClinVar:

ClinVar aggregate classification (germline): Uncertain significance (1 of 4 stars; one submission).

Allele frequency attached by ClinVar (database versions not stated): TOPMed below 0.00001; gnomAD exomes 0.00001; gnomAD 0.00002.

Submission:

Labcorp Genetics (formerly Invitae), Labcorp
Classification: Uncertain significance. Last evaluated: 2020-11-11. Review status: criteria provided, single submitter. Criteria: Invitae Variant Classification Sherloc (09022015). Collection method: clinical testing. Allele origin: germline.
Comment: This sequence change replaces aspartic acid with valine at codon 153 of the BCORL1 protein (p.Asp153Val). The aspartic acid residue is highly conserved and there is a large physicochemical difference between aspartic acid and valine. This variant is not present in population databases (ExAC no frequency). This variant has not been reported in the literature in individuals with BCORL1-related conditions. Algorithms developed to predict the effect of missense changes on protein structure and function are either unavailable or do not agree on the potential impact of this missense change (SIFT: "Tolerated"; PolyPhen-2: "Not Available"; Align-GVGD: "Class C0"). In summary, the available evidence is currently insufficient to determine the role of this variant in disease. Therefore, it has been classified as a Variant of Uncertain Significance.

NM_001379451.1(BCORL1):c.458A>T (p.Asp153Val)

Gene: BCORL1 (BCL6 corepressor like 1; plus strand). Cytogenetic location: Xq26.1.
Variant type: single nucleotide variant.
Coding change: c.458A>T on transcript NM_001379451.1 (MANE Select); coding-DNA position 458, A replaced by T.
Protein change: p.Asp153Val; replaces aspartic acid 153 with valine.
Molecular consequence: missense variant.
Genome position (GRCh38, 1-based): chrX:130,013,230, A>T. VCF-style: chrX-130013230-A-T. GRCh37 (hg19) VCF-style: chrX-129147206-A-T.
Other names: c.458A>T, p.Asp153Val (NM_001184772.3, NM_001379450.1, NM_021946.5); short protein forms D153V.
Identifiers: ClinVar variation 1345180 (VCV001345180.6), dbSNP rs1189143389, ClinGen allele CA414570259.